The following is an entry in ClinVar:

NM_017617.5(NOTCH1):c.4921C>T (p.Pro1641Ser)

Gene: NOTCH1 (notch receptor 1; minus strand). Cytogenetic location: 9q34.3.
Variant type: single nucleotide variant.
Coding change: c.4921C>T on transcript NM_017617.5 (MANE Select); coding-DNA position 4921, C replaced by T.
Protein change: p.Pro1641Ser; replaces proline 1641 with serine.
Molecular consequence: missense variant.
Genome position (GRCh38, 1-based): chr9:136,504,770, G>A on the plus strand (C>T on the coding strand, the complement: NOTCH1 is on the minus strand). VCF-style: chr9-136504770-G-A. GRCh37 (hg19) VCF-style: chr9-139399222-G-A.
Other names: c.4921C>T (NM_017617.3, NM_017617.4); short protein forms P1641S.
Identifiers: ClinVar variation 1538676 (VCV001538676.11), dbSNP rs535702482, ClinGen allele CA5340493.

ClinVar aggregate classification (germline): Benign/Likely benign. Review status: criteria provided, multiple submitters, no conflicts (2 of 4 stars). 3 submissions from 3 submitters: Benign (1); Likely benign (1). 1 of the submissions does not count toward it. Last evaluated 2025-12-28.

Conditions:
Familial thoracic aortic aneurysm and aortic dissection (TAAD). Also called: Thoracic aortic aneurysms and dissections. Identifiers: Orphanet 91387, MedGen C4707243, MONDO:0019625.
NOTCH1-related disorder. Also called: NOTCH1-related condition; NOTCH1-related disorders.
Adams-Oliver syndrome 5 (AOS5). Identifiers: Orphanet 974, MedGen C4014970, MONDO:0014459, OMIM 616028.

Allele frequency attached by ClinVar (database versions not stated): TOPMed 0.00001; gnomAD 0.00008; gnomAD exomes 0.00014 and 0.00027; 1000 Genomes Project 30x 0.00094; ExAC 0.00136; 1000 Genomes Project 0.00140.
gnomAD v4.1: 204 of 1,551,554 alleles (0.013%); highest among the groups gnomAD compares: South Asian, 0.23%; 2 homozygotes.

Submissions (3):

Labcorp Genetics (formerly Invitae), Labcorp
Classification: Benign for Adams-Oliver syndrome 5. Last evaluated: 2025-12-28. Review status: criteria provided, single submitter. Criteria: Invitae Variant Classification Sherloc (09022015). Collection method: clinical testing. Allele origin: germline.

Ambry Genetics
Classification: Likely benign for Familial thoracic aortic aneurysm and aortic dissection. Last evaluated: 2024-05-22. Review status: criteria provided, single submitter. Criteria: Ambry Variant Classification Scheme 2023. Collection method: clinical testing. Allele origin: germline.

PreventionGenetics, part of Exact Sciences
Classification: Likely benign for NOTCH1-related condition. Last evaluated: 2022-04-06. Review status: no assertion criteria provided. Collection method: clinical testing. Allele origin: germline. Not counted in ClinVar's aggregate classification.
Comment: This variant is classified as likely benign based on ACMG/AMP sequence variant interpretation guidelines (Richards et al. 2015 PMID: 25741868, with internal and published modifications).